The following is an entry in ClinVar:

ClinVar aggregate classification (germline): Pathogenic (1 of 4 stars; one submission).

Conditions:
Sialidosis type 2. Also called: Mucolipidosis type 1; NEU 1 deficiency; CHERRY RED SPOT--MYOCLONUS SYNDROME; LIPOMUCOPOLYSACCHARIDOSIS; ML I; NEU DEFICIENCY. Identifiers: Orphanet 812, Orphanet 87876, MedGen C4282398, MONDO:0009738, OMIM 256550.

Submission:

Victorian Clinical Genetics Services, Murdoch Childrens Research Institute
Classification: Pathogenic for Sialidosis type 2. Last evaluated: 2018-08-10. Review status: criteria provided, single submitter. Criteria: ACMG Guidelines, 2015. Collection method: clinical testing. Allele origin: unknown. Affected: yes. Observed: 1 variant allele.
Comment: This homozygous deletion contains the whole of the NEU1 gene. Homozygous mutations of the NEU1 gene are associated with sialidosis types I and II. Please see OMIM 256550.

GRCh37/hg19 6p21.33(chr6:31824828-31834398)

Genes: NEU1 (neuraminidase 1; minus strand), SLC44A4 (solute carrier family 44 member 4; minus strand). Cytogenetic location: 6p21.33.
Variant type: copy number loss.
Identifiers: ClinVar variation 870391 (VCV000870391.2).